The following is an entry in ClinVar:

NM_207352.4(CYP4V2):c.1338del (p.Glu447fs)

Gene: CYP4V2 (cytochrome P450 family 4 subfamily V member 2; plus strand). Cytogenetic location: 4q35.2.
Variant type: Deletion.
Coding change: c.1338del on transcript NM_207352.4 (MANE Select); coding-DNA position 1338, one base deleted (C; older notation c.1338delC).
Protein change: p.Glu447fs; shifts the reading frame from glutamic acid 447.
Molecular consequence: frameshift variant.
Genome position (GRCh38, 1-based): chr4:186,209,205, C deleted; the last of 4 consecutive C bases (chr4:186,209,202-186,209,205); deleting any one gives the same sequence. VCF-style (leftmost placement, unchanged base first): chr4-186209201-TC-T. GRCh37 (hg19) VCF-style: chr4-187130355-TC-T.
Other names: c.1338delC (NM_207352.3); short protein forms E447fs.
Identifiers: ClinVar variation 1379344 (VCV001379344.5), dbSNP rs746220304, ClinGen allele CA3162832.

ClinVar aggregate classification (germline): Pathogenic/Likely pathogenic. Review status: criteria provided, multiple submitters, no conflicts (2 of 4 stars). 2 submissions from 2 submitters: Pathogenic (1); Likely pathogenic (1). Last evaluated 2026-06-24.

Conditions:
CYP4V2-related disorder. Also called: CYP4V2-related condition; CYP4V2-related disorders.

Submissions (2):

PreventionGenetics, part of Exact Sciences
Classification: Likely pathogenic for CYP4V2-related condition. Last evaluated: 2026-06-24. Review status: criteria provided, single submitter. Criteria: ACMG Guidelines, 2015. Collection method: clinical testing. Allele origin: germline.
Comment: The CYP4V2 c.1338delC variant is predicted to result in a frameshift and premature protein termination (p.Glu447Argfs*22). To our knowledge, this variant has not been reported in individuals with Bietti crystalline dystrophy. This variant is present in 0.038% of alleles in individuals of Latino descent in gnomAD, and has been reported in a carrier screen of the general population (Hanany et al. 2020. PubMed ID: 31964843 ). Frameshift variants in CYP4V2 are an established mechanism of disease. This variant is interpreted as likely pathogenic.

Labcorp Genetics (formerly Invitae), Labcorp
Classification: Pathogenic. Last evaluated: 2025-08-10. Review status: criteria provided, single submitter. Criteria: Invitae Variant Classification Sherloc (09022015). Collection method: clinical testing. Allele origin: germline.
Comment: This sequence change creates a premature translational stop signal (p.Glu447Argfs*22) in the CYP4V2 gene. While this is not anticipated to result in nonsense mediated decay, it is expected to disrupt the last 79 amino acid(s) of the CYP4V2 protein. This variant is present in population databases (rs746220304, gnomAD 0.04%). This variant has not been reported in the literature in individuals affected with CYP4V2-related conditions. ClinVar contains an entry for this variant (Variation ID: 1379344). This variant disrupts a region of the CYP4V2 protein in which other variant(s) (p.S482*) have been determined to be pathogenic (PMID: 15042513, 16186368). This suggests that this is a clinically significant region of the protein, and that variants that disrupt it are likely to be disease-causing. For these reasons, this variant has been classified as Pathogenic.

Literature cited by the submitters: PubMed 15042513 (cited by Labcorp Genetics (formerly Invitae), Labcorp); PubMed 16186368 (cited by Labcorp Genetics (formerly Invitae), Labcorp).